The following is an entry in ClinVar:

NM_052947.4(ALPK2):c.3409G>T (p.Val1137Phe)

Gene: ALPK2 (alpha kinase 2; minus strand). Cytogenetic location: 18q21.31.
Variant type: single nucleotide variant.
Coding change: c.3409G>T on transcript NM_052947.4 (MANE Select); coding-DNA position 3409, G replaced by T.
Protein change: p.Val1137Phe; replaces valine 1137 with phenylalanine.
Molecular consequence: missense variant.
Genome position (GRCh38, 1-based): chr18:58,536,778, C>A on the plus strand (G>T on the coding strand, the complement: ALPK2 is on the minus strand). VCF-style: chr18-58536778-C-A. GRCh37 (hg19) VCF-style: chr18-56204010-C-A.
Other names: short protein forms V1137F.
Identifiers: ClinVar variation 1731150 (VCV001731150.2), dbSNP rs202121224, ClinGen allele CA8976911.

ClinVar aggregate classification (germline): Uncertain significance (1 of 4 stars; one submission).

Allele frequency attached by ClinVar (database versions not stated): 1000 Genomes Project 30x 0.00031; 1000 Genomes Project 0.00040.
gnomAD v4.1: 3 of 1,614,198 alleles (0.00019%); highest among the groups gnomAD compares: African/African-American, 0.004%; no homozygotes.

Submission:

Ambry Genetics
Classification: Uncertain significance. Last evaluated: 2022-07-05. Review status: criteria provided, single submitter. Criteria: Ambry Variant Classification Scheme 2023. Collection method: clinical testing. Allele origin: germline.
Comment: The p.V1137F variant (also known as c.3409G>T), located in coding exon 4 of the ALPK2 gene, results from a G to T substitution at nucleotide position 3409. The valine at codon 1137 is replaced by phenylalanine, an amino acid with highly similar properties. This amino acid position is conserved. In addition, this alteration is predicted to be tolerated by in silico analysis. Since supporting evidence is limited at this time, the clinical significance of this alteration remains unclear.